The following is an entry in ClinVar:

ClinVar aggregate classification (germline): Uncertain significance (1 of 4 stars; one submission).

Conditions:
Juvenile polyposis syndrome (JPS). Identifiers: Orphanet 2929, MedGen C0345893, MONDO:0017380, OMIM 174900.

Submission:

Labcorp Genetics (formerly Invitae), Labcorp
Classification: Uncertain significance for Juvenile polyposis syndrome. Last evaluated: 2016-08-08. Review status: criteria provided, single submitter. Criteria: Invitae Variant Classification Sherloc (09022015). Collection method: clinical testing. Allele origin: germline.
Comment: In summary, this variant is a novel missense change that is not predicted to affect protein function. There is no indication that it causes disease, but the available evidence is currently insufficient to prove that conclusively. Therefore, it has been classified as a Variant of Uncertain Significance. Algorithms developed to predict the effect of missense changes on protein structure and function (SIFT, PolyPhen-2, Align-GVGD) all suggest that this variant is likely to be tolerated, but these predictions have not been confirmed by published functional studies. This variant is not present in population databases (ExAC no frequency) and has not been reported in the literature in individuals with a SMAD4-related disease. This sequence change replaces phenylalanine with tyrosine at codon 214 of the SMAD4 protein (p.Phe214Tyr). The phenylalanine residue is highly conserved and there is a small physicochemical difference between phenylalanine and tyrosine.

NM_005359.6(SMAD4):c.641T>A (p.Phe214Tyr)

Gene: SMAD4 (SMAD family member 4; plus strand). Cytogenetic location: 18q21.2.
Variant type: single nucleotide variant.
Coding change: c.641T>A on transcript NM_005359.6 (MANE Select); coding-DNA position 641, T replaced by A.
Protein change: p.Phe214Tyr; replaces phenylalanine 214 with tyrosine.
Molecular consequence: missense variant.
Genome position (GRCh38, 1-based): chr18:51,054,967, T>A. VCF-style: chr18-51054967-T-A. GRCh37 (hg19) VCF-style: chr18-48581337-T-A.
Other names: short protein forms F214Y.
Identifiers: ClinVar variation 405493 (VCV000405493.48), dbSNP rs1060500736, ClinGen allele CA16616074.
Genomic context (GRCh38, chr18:51,054,967, plus strand): 5'-CATACAGCACCCCAGCTCTGTTAGCCCCATCTGAGTCTAATGCTACCAGCACTGCCAACT[T>A]TCCCAACATTCCTGTGGCTTCCACAAGTGAGTTCTAGAATCAGATGTAGTCAGCAAGTTG-3'
Protein context (NP_005350.1, residues 204-224): SESNATSTAN[Phe214Tyr]PNIPVASTSQ